The following is an entry in ClinVar:

ClinVar aggregate classification (germline): Uncertain significance. Review status: criteria provided, multiple submitters, no conflicts (2 of 4 stars). 2 submissions from 2 submitters: Uncertain significance (2). Last evaluated 2025-09-04.

Conditions:
Neuroblastoma, susceptibility to, 3. Also called: ALK-Related Neuroblastic Tumor Susceptibility. Identifiers: Orphanet 635, MedGen C2751681, MONDO:0013083, OMIM 613014.
Hereditary cancer-predisposing syndrome. Also called: Tumor predisposition; Hereditary neoplastic syndrome; Hereditary Cancer Syndrome; Neoplastic Syndromes, Hereditary. Identifiers: Orphanet 140162, MedGen C0027672, MeSH D009386, MONDO:0015356.

Allele frequency attached by ClinVar (database versions not stated): gnomAD exomes 0.00001; ExAC 0.00002.
gnomAD v4.1: 13 of 1,613,740 alleles (0.00081%); highest among the groups gnomAD compares: Non-Finnish European, 0.0011%; no homozygotes.

Submissions (2):

Ambry Genetics
Classification: Uncertain significance for Hereditary cancer-predisposing syndrome. Last evaluated: 2025-09-04. Review status: criteria provided, single submitter. Criteria: Ambry Variant Classification Scheme 2023. Collection method: clinical testing. Allele origin: germline.
Comment: The p.V1411L variant (also known as c.4231G>C), located in coding exon 29 of the ALK gene, results from a G to C substitution at nucleotide position 4231. The valine at codon 1411 is replaced by leucine, an amino acid with highly similar properties. This amino acid position is well conserved in available vertebrate species. In addition, this alteration is predicted to be tolerated by in silico analysis. Based on the available evidence, the clinical significance of this variant remains unclear.

Labcorp Genetics (formerly Invitae), Labcorp
Classification: Uncertain significance for Neuroblastoma, susceptibility to, 3. Last evaluated: 2024-09-11. Review status: criteria provided, single submitter. Criteria: Invitae Variant Classification Sherloc (09022015). Collection method: clinical testing. Allele origin: germline.
Comment: This sequence change replaces valine, which is neutral and non-polar, with leucine, which is neutral and non-polar, at codon 1411 of the ALK protein (p.Val1411Leu). This variant is present in population databases (rs748638070, gnomAD 0.002%). This variant has not been reported in the literature in individuals affected with ALK-related conditions. ClinVar contains an entry for this variant (Variation ID: 1443315). An algorithm developed to predict the effect of missense changes on protein structure and function (PolyPhen-2) suggests that this variant is likely to be disruptive. In summary, the available evidence is currently insufficient to determine the role of this variant in disease. Therefore, it has been classified as a Variant of Uncertain Significance.

NM_004304.5(ALK):c.4231G>C (p.Val1411Leu)

Gene: ALK (ALK receptor tyrosine kinase; minus strand). Cytogenetic location: 2p23.2.
Variant type: single nucleotide variant.
Coding change: c.4231G>C on transcript NM_004304.5 (MANE Select); coding-DNA position 4231, G replaced by C.
Protein change: p.Val1411Leu; replaces valine 1411 with leucine.
Molecular consequence: missense variant.
Genome position (GRCh38, 1-based): chr2:29,193,856, C>G on the plus strand (G>C on the coding strand, the complement: ALK is on the minus strand). VCF-style: chr2-29193856-C-G. GRCh37 (hg19) VCF-style: chr2-29416722-C-G.
Other names: c.4231G>C (NM_004304.4); c.1027G>C, p.Val343Leu (NM_001353765.2); short protein forms V1411L, V343L.
Identifiers: ClinVar variation 1443315 (VCV001443315.7), dbSNP rs748638070, ClinGen allele CA1593615.
Genomic context (GRCh38, chr2:29,193,856, plus strand): 5'-TTGCCTGTTGAGAGACCAGGAGAGGAGGAACCCCCTCAGGGTCCTTGGGCCTCACAGGCA[C>G]TTTCTCTTCCTCTTCCACAAGTGGACCATATTCTATCGGCAAAGCGGTGTTGATTACATC-3'
Protein context (NP_004295.2, residues 1401-1421): YGPLVEEEEK[Val1411Leu]PVRPKDPEGV